The following is an entry in ClinVar:

NM_032638.5(GATA2):c.1113C>T (p.Asn371=)

Gene: GATA2 (GATA binding protein 2; minus strand). Cytogenetic location: 3q21.3.
Variant type: single nucleotide variant.
Coding change: c.1113C>T on transcript NM_032638.5 (MANE Select); coding-DNA position 1113, C replaced by T.
Protein change: p.Asn371=; no amino-acid change (asparagine 371 retained).
Molecular consequence: synonymous variant.
Genome position (GRCh38, 1-based): chr3:128,481,849, G>A on the plus strand (C>T on the coding strand, the complement: GATA2 is on the minus strand). VCF-style: chr3-128481849-G-A. GRCh37 (hg19) VCF-style: chr3-128200692-G-A.
Other names: c.1113C>T, p.Asn371= (NM_001145661.2); c.1071C>T, p.Asn357= (NM_001145662.1).
Identifiers: ClinVar variation 472433 (VCV000472433.36), dbSNP rs376003468, ClinGen allele CA2599866.
Genomic context (GRCh38, chr3:128,481,849, plus strand): 5'-GGCGGGGTGGCCGGGGCGGGGCGCACTCACATTGTGCAGCTTGTAGTAGAGGCCACAGGC[G>A]TTGCAGACAGGGTCCCCGTTGGCGTTTCGGCGCCATAAGGTGGTGGTTGTCGTCTGACAA-3'
Protein context (NP_116027.2, residues 361-381): RRNANGDPVC[Asn371=]ACGLYYKLHN

ClinVar aggregate classification (germline): Likely benign. Review status: criteria provided, multiple submitters, no conflicts (2 of 4 stars). 4 submissions from 4 submitters: Likely benign (4). Last evaluated 2026-01-19.

Conditions:
Deafness-lymphedema-leukemia syndrome. Also called: Lymphedema, primary, with myelodysplasia; Emberger syndrome. Identifiers: Orphanet 3226, MedGen C3279664, MONDO:0013540, OMIM 614038.
Monocytopenia with susceptibility to infections. Also called: MONOCYTOPENIA AND MYCOBACTERIAL INFECTION SYNDROME; MONOCYTOPENIA WITH SUSCEPTIBILITY TO MYCOBACTERIAL, FUNGAL, AND PAPILLOMAVIRUS INFECTIONS AND MYELODYSPLASIA; COMBINED IMMUNODEFICIENCY WITH SUSCEPTIBILITY TO MYCOBACTERIAL, VIRAL, AND FUNGAL INFECTIONS; Dendritic cell, monocyte, B lymphocyte, and natural killer lymphocyte deficiency; IMMUNODEFICIENCY 21; GATA2 DEFICIENCY. Identifiers: Orphanet 228423, MedGen C3280030, MONDO:0013607, OMIM 614172.
Inborn genetic diseases. Identifiers: MedGen C0950123, MeSH D030342.

Allele frequency attached by ClinVar (database versions not stated): gnomAD 0.00001; TOPMed 0.00001; gnomAD exomes 0.00004 and 0.00005; ExAC 0.00005.
gnomAD v4.1: 65 of 1,613,978 alleles (0.004%); highest among the groups gnomAD compares: Non-Finnish European, 0.0036%; no homozygotes.

Submissions (4):

Labcorp Genetics (formerly Invitae), Labcorp
Classification: Likely benign for Monocytopenia with susceptibility to infections; Deafness-lymphedema-leukemia syndrome. Last evaluated: 2026-01-19. Review status: criteria provided, single submitter. Criteria: Invitae Variant Classification Sherloc (09022015). Collection method: clinical testing. Allele origin: germline.

Ambry Genetics
Classification: Likely benign for Inborn genetic diseases. Last evaluated: 2024-08-21. Review status: criteria provided, single submitter. Criteria: Ambry Variant Classification Scheme 2023. Collection method: clinical testing. Allele origin: germline.

Blueprint Genetics
Classification: Likely benign. Last evaluated: 2024-08-09. Review status: criteria provided, single submitter. Criteria: ACMG Guidelines, 2015. Collection method: clinical testing. Allele origin: germline.

CeGaT Center for Human Genetics Tuebingen
Classification: Likely benign. Last evaluated: 2023-12-01. Review status: criteria provided, single submitter. Criteria: CeGaT Center For Human Genetics Tuebingen Variant Classification Criteria Version 2. Collection method: clinical testing. Allele origin: germline. Affected: yes. Observed: 1 variant allele.
Comment: GATA2: BP4, BP7